The following is an entry in ClinVar:

ClinVar aggregate classification (germline): Uncertain significance (1 of 4 stars; one submission).

Submission:

Greenwood Genetic Center Diagnostic Laboratories, Greenwood Genetic Center
Classification: Uncertain significance. Last evaluated: 2022-05-02. Review status: criteria provided, single submitter. Criteria: ACMG Guidelines, 2015. Collection method: clinical testing. Allele origin: germline. Affected: yes.
Comment: Gene of Uncertain Significance

NM_014825.3(URB1):c.5303C>G (p.Pro1768Arg)

Gene: URB1 (URB1 ribosome biogenesis homolog; minus strand). Cytogenetic location: 21q22.11.
Variant type: single nucleotide variant.
Coding change: c.5303C>G on transcript NM_014825.3 (MANE Select); coding-DNA position 5303, C replaced by G.
Protein change: p.Pro1768Arg; replaces proline 1768 with arginine.
Molecular consequence: missense variant.
Genome position (GRCh38, 1-based): chr21:32,322,515, G>C on the plus strand (C>G on the coding strand, the complement: URB1 is on the minus strand). VCF-style: chr21-32322515-G-C. GRCh37 (hg19) VCF-style: chr21-33694825-G-C.
Other names: short protein forms P1768R.
Identifiers: ClinVar variation 1703176 (VCV001703176.3), dbSNP rs2032779726, ClinGen allele CA410063559.